The following is an entry in ClinVar:

NM_000038.6(APC):c.32A>T (p.Lys11Met)

Gene: APC (APC regulator of Wnt signaling pathway; plus strand). Cytogenetic location: 5q22.2.
Variant type: single nucleotide variant.
Coding change: c.32A>T on transcript NM_000038.6 (MANE Select); coding-DNA position 32, A replaced by T.
Protein change: p.Lys11Met; replaces lysine 11 with methionine.
Molecular consequence: missense variant. On other transcripts: 5 prime UTR variant (4), non-coding transcript variant (2), intron variant (11).
Genome position (GRCh38, 1-based): chr5:112,754,922, A>T. VCF-style: chr5-112754922-A-T. GRCh37 (hg19) VCF-style: chr5-112090619-A-T.
Other names: c.32A>T, p.Lys11Met (NM_001127510.3, NM_001354895.2, NM_001354896.2 and 16 more transcripts); c.-1004A>T (NM_001354906.2, NM_001407470.1, NM_001407471.1 and 1 more transcripts); c.166-11404A>T (NM_001407446.1, NM_001354897.2, NM_001354902.2 and 1 more transcripts); c.-42-11404A>T (NM_001407453.1, NM_001354900.2, NM_001354901.2 and 1 more transcripts); c.61-11404A>T (NM_001407451.1, NM_001354898.2, NM_001354904.2); short protein forms K11M.
Identifiers: ClinVar variation 3412399 (VCV003412399.1).

ClinVar aggregate classification (germline): Uncertain significance (1 of 4 stars; one submission).

Conditions:
Hereditary cancer-predisposing syndrome. Also called: Neoplastic Syndromes, Hereditary; Tumor predisposition; Hereditary Cancer Syndrome; Hereditary neoplastic syndrome. Identifiers: Orphanet 140162, MedGen C0027672, MeSH D009386, MONDO:0015356.

gnomAD v4.1: 5 of 1,613,848 alleles (0.00031%); highest among the groups gnomAD compares: Non-Finnish European, 0.00042%; no homozygotes.

Submission:

Ambry Genetics
Classification: Uncertain significance for Hereditary cancer-predisposing syndrome. Last evaluated: 2024-12-09. Review status: criteria provided, single submitter. Criteria: Ambry Variant Classification Scheme 2023. Collection method: clinical testing. Allele origin: germline.
Comment: The p.K11M variant (also known as c.32A>T), located in coding exon 1 of the APC gene, results from an A to T substitution at nucleotide position 32. The lysine at codon 11 is replaced by methionine, an amino acid with similar properties. This amino acid position is well conserved in available vertebrate species. In addition, in silico predictors for this gene do not accurately predict pathogenicity. Based on the available evidence, the clinical significance of this variant remains unclear.